The following is an entry in ClinVar:

ClinVar aggregate classification (germline): Uncertain significance (1 of 4 stars; one submission).

Allele frequency attached by ClinVar (database versions not stated): TOPMed 0.00002; ExAC 0.00003; gnomAD 0.00003; gnomAD exomes 0.00005; ESP Exome Variant Server 0.00008.
gnomAD v4.1: 70 of 1,614,048 alleles (0.0043%); highest among the groups gnomAD compares: Non-Finnish European, 0.0058%; no homozygotes.

Submission:

Labcorp Genetics (formerly Invitae), Labcorp
Classification: Uncertain significance. Last evaluated: 2022-06-27. Review status: criteria provided, single submitter. Criteria: Invitae Variant Classification Sherloc (09022015). Collection method: clinical testing. Allele origin: germline.
Comment: This sequence change replaces arginine, which is basic and polar, with cysteine, which is neutral and slightly polar, at codon 500 of the TRAPPC9 protein (p.Arg500Cys). This variant is present in population databases (rs374409751, gnomAD 0.006%). In summary, the available evidence is currently insufficient to determine the role of this variant in disease. Therefore, it has been classified as a Variant of Uncertain Significance. Algorithms developed to predict the effect of missense changes on protein structure and function are either unavailable or do not agree on the potential impact of this missense change (SIFT: "Not Available"; PolyPhen-2: "Probably Damaging"; Align-GVGD: "Not Available"). This variant has not been reported in the literature in individuals affected with TRAPPC9-related conditions.

NM_001160372.4(TRAPPC9):c.1204C>T (p.Arg402Cys)

Gene: TRAPPC9 (trafficking protein particle complex subunit 9; minus strand). Cytogenetic location: 8q24.3.
Variant type: single nucleotide variant.
Coding change: c.1204C>T on transcript NM_001160372.4 (MANE Select); coding-DNA position 1204, C replaced by T.
Protein change: p.Arg402Cys; replaces arginine 402 with cysteine.
Molecular consequence: missense variant. On other transcripts: non-coding transcript variant (1).
Genome position (GRCh38, 1-based): chr8:140,371,111, G>A on the plus strand (C>T on the coding strand, the complement: TRAPPC9 is on the minus strand). VCF-style: chr8-140371111-G-A. GRCh37 (hg19) VCF-style: chr8-141381210-G-A.
Other names: c.1177C>T, p.Arg393Cys (NM_001321646.2); c.1225C>T, p.Arg409Cys (NM_001374682.1); c.1204C>T, p.Arg402Cys (NM_001374683.1, NM_001374684.1, NM_031466.8); short protein forms R409C, R402C, R393C.
Identifiers: ClinVar variation 1906641 (VCV001906641.5), dbSNP rs374409751, ClinGen allele CA4893516.
Genomic context (GRCh38, chr8:140,371,111, plus strand): 5'-CCGCGATGCTTGGGGCCACGCACTGCATGGCGGCCACGCGCTTGAAGAACGCAGACTTGC[G>A]ATGGAAGCCGATCAGCTCATAGAGCTCGGAGAGGATGCTGTAGCGCTGAATTTTCTCTTC-3'
Protein context (NP_001153844.1, residues 392-412): SELYELIGFH[Arg402Cys]KSAFFKRVAA